The following is an entry in ClinVar:

NM_000195.4(HPS1):c.1602_1605delCCTA

Gene: HPS1 (HPS1 biogenesis of lysosomal organelles complex 3 subunit 1; minus strand). Cytogenetic location: 10q24.2.
Variant type: Microsatellite.
Coding change: c.1602_1605delCCTA on transcript NM_000195.4; coding-DNA positions 1602 to 1605, 4 bases deleted (CCTA).
Genome position (GRCh38, 1-based): chr10:98,422,507-98,422,510, TAGG deleted on the plus strand (CCTA on the coding strand, the reverse complement: HPS1 is on the minus strand); deleting any 4 consecutive bases within chr10:98,422,507-98,422,515 gives the same sequence; the c. name uses the placement nearest the transcript's 3' end. VCF-style (leftmost placement, unchanged base first): chr10-98422506-CTAGG-C. GRCh37 (hg19) VCF-style: chr10-100182263-CTAGG-C.
Identifiers: ClinVar variation 2501052 (VCV002501052.1), dbSNP rs2538792615, ClinGen allele CA2580615588.

ClinVar aggregate classification (germline): Likely pathogenic (1 of 4 stars; one submission).

Conditions:
Hermansky-Pudlak syndrome (HPS). Also called: ALBINISM WITH HEMORRHAGIC DIATHESIS AND PIGMENTED RETICULOENDOTHELIAL CELLS. Identifiers: Orphanet 79430, MedGen C0079504, MONDO:0019312.

Submission:

Women's Health and Genetics/Laboratory Corporation of America, LabCorp
Classification: Likely pathogenic for Hermansky-Pudlak syndrome. Last evaluated: 2023-03-27. Review status: criteria provided, single submitter. Criteria: LabCorp Variant Classification Summary - May 2015. Collection method: clinical testing. Allele origin: germline.
Comment: Variant summary: HPS1 c.1602_1605delCCTA (p.Tyr534X) results in a premature termination codon, predicted to cause a truncation of the encoded protein or absence of the protein due to nonsense mediated decay, which are commonly known mechanisms for disease. Truncations downstream of this position are classified as pathogenic in ClinVar. The variant was absent in 251280 control chromosomes. To our knowledge, no occurrence of c.1602_1605delCCTA in individuals affected with Hermansky-Pudlak Syndrome and no experimental evidence demonstrating its impact on protein function have been reported. No submitters have provided clinical-significance assessments for this variant to ClinVar after 2014. Based on the evidence outlined above, the variant was classified as likely pathogenic.